The following is an entry in ClinVar:

ClinVar aggregate classification (germline): Conflicting classifications of pathogenicity. Review status: criteria provided, conflicting classifications (1 of 4 stars). 4 submissions from 4 submitters: Uncertain significance (2); Likely benign (2). Last evaluated 2024-06-09.

Conditions:
Hereditary cancer-predisposing syndrome. Also called: Neoplastic Syndromes, Hereditary; Hereditary Cancer Syndrome; Hereditary neoplastic syndrome; Tumor predisposition. Identifiers: Orphanet 140162, MedGen C0027672, MeSH D009386, MONDO:0015356.
Hereditary breast ovarian cancer syndrome. Also called: Hereditary breast and ovarian cancer syndrome (HBOC); Hereditary breast and ovarian cancer syndrome; Breast and ovarian cancer; BRCA1- and BRCA2-Associated Hereditary Breast and Ovarian Cancer; Hereditary breast and ovarian cancer; Hereditary breast and/or ovarian cancer syndrome. Identifiers: Orphanet 145, MedGen C0677776, MeSH D061325, MONDO:0003582. Disease mechanism: loss of function.
BRCA1-related cancer predisposition. Identifiers: MedGen CN377757, MONDO:0700268.

Submissions (4):

All of Us Research Program, National Institutes of Health
Classification: Uncertain significance for BRCA1-related cancer predisposition. Last evaluated: 2024-06-09. Review status: criteria provided, single submitter. Criteria: ACMG Guidelines, 2015. Collection method: clinical testing. Allele origin: germline. Inheritance: Autosomal dominant inheritance. Observed: 1 variant allele, 1 heterozygote.
Comment: This missense variant replaces alanine with valine at codon 1142 of the BRCA1 protein. Computational prediction suggests that this variant may not impact protein structure and function. To our knowledge, functional studies have not been reported for this variant. This variant has not been reported in a multifactorial analysis with likelihood ratios for pathogenicity based on co-occurrence with a pathogenic variant and family history of 1.0331 and 0.1175, respectively (PMID: 31131967). This variant has not been identified in the general population by the Genome Aggregation Database (gnomAD). The available evidence is insufficient to determine the role of this variant in disease conclusively. Therefore, this variant is classified as a Variant of Uncertain Significance.

This study involves interpretation of variants in research participants for the purpose of population health screening. Participant phenotype was not available at the time of variant classification. Additional details can be found in publication PMID: 35346344, PMCID: PMC8962531

Labcorp Genetics (formerly Invitae), Labcorp
Classification: Likely benign for Hereditary breast ovarian cancer syndrome. Last evaluated: 2023-08-27. Review status: criteria provided, single submitter. Criteria: Invitae Variant Classification Sherloc (09022015). Collection method: clinical testing. Allele origin: germline.

University of Washington Department of Laboratory Medicine, University of Washington
Classification: Likely benign for Hereditary cancer-predisposing syndrome. Last evaluated: 2023-03-23. Review status: criteria provided, single submitter. Criteria: Dines et al. (Genet Med. 2020). Collection method: curation. Allele origin: germline.
Comment: Missense variant in a coldspot region where missense variants are very unlikely to be pathogenic (PMID:31911673).

BRCA1 coldspot (exon 11 using historical exon numbering). Reclassification based on statistical prior probability

Ambry Genetics
Classification: Uncertain significance for Hereditary cancer-predisposing syndrome. Last evaluated: 2021-02-16. Review status: criteria provided, single submitter. Criteria: Ambry Variant Classification Scheme 2023. Collection method: clinical testing. Allele origin: germline.
Comment: The p.A1142V variant (also known as c.3425C>T), located in coding exon 9 of the BRCA1 gene, results from a C to T substitution at nucleotide position 3425. The alanine at codon 1142 is replaced by valine, an amino acid with similar properties. This amino acid position is poorly conserved in available vertebrate species. In addition, this alteration is predicted to be tolerated by in silico analysis. Since supporting evidence is limited at this time, the clinical significance of this alteration remains unclear.

Literature cited by the submitters: PubMed 31131967 (cited by All of Us Research Program, National Institutes of Health).

NM_007294.4(BRCA1):c.3425C>T (p.Ala1142Val)

Genes: BRCA1 (BRCA1 DNA repair associated; minus strand), LOC126862571 (BRD4-independent group 4 enhancer GRCh37_chr17:41243136-41244335; plus strand). Cytogenetic location: 17q21.31.
Variant type: single nucleotide variant.
Coding change: c.3425C>T on transcript NM_007294.4 (MANE Select); coding-DNA position 3425, C replaced by T.
Protein change: p.Ala1142Val; replaces alanine 1142 with valine.
Molecular consequence: missense variant. On other transcripts: intron variant (135).
Genome position (GRCh38, 1-based): chr17:43,092,106, G>A on the plus strand (C>T on the coding strand, the complement: BRCA1 is on the minus strand). VCF-style: chr17-43092106-G-A. GRCh37 (hg19) VCF-style: chr17-41244123-G-A.
Other names: c.647-1074C>T (NM_001408454.1, NM_001408455.1, NM_001408466.1 and 11 more transcripts); c.3302C>T, p.Ala1101Val (NM_001407863.1, NM_001407648.1, NM_001407664.1 and 19 more transcripts); c.3221C>T, p.Ala1074Val (NM_001407875.1, NM_001407874.1); c.3215C>T, p.Ala1072Val (NM_001407879.1, NM_001407881.1, NM_001407882.1 and 13 more transcripts); c.707-1074C>T (NM_001408413.1, NM_001408416.1); c.3425C>T, p.Ala1142Val (NM_001407581.1, NM_001407582.1, NM_001407583.1 and 30 more transcripts); c.587-1074C>T (NM_001408476.1, NM_001408474.1); c.575-1074C>T (NM_001408490.1, NM_001408493.1, NM_001408491.1); and 41 more; short protein forms A1142V, A1095V, A1054V, A1074V, A1100V, A274V, A846V, A1053V.
Identifiers: ClinVar variation 479241 (VCV000479241.18), dbSNP rs1555587711, ClinGen allele CA10595127.